The following is an entry in ClinVar:

ClinVar aggregate classification (germline): Uncertain significance (1 of 4 stars; one submission).

Conditions:
Primary ciliary dyskinesia. Also called: Ciliary dyskinesia. Identifiers: Orphanet 244, MedGen C0008780, MONDO:0016575, HP:0012265.

Allele frequency attached by ClinVar (database versions not stated): gnomAD exomes 0.00002; ExAC 0.00003; gnomAD 0.00008; TOPMed 0.00011; ESP Exome Variant Server 0.00031.
gnomAD v4.1: 45 of 1,606,104 alleles (0.0028%); highest among the groups gnomAD compares: African/African-American, 0.033%; no homozygotes.

Submission:

Labcorp Genetics (formerly Invitae), Labcorp
Classification: Uncertain significance for Primary ciliary dyskinesia. Last evaluated: 2022-07-19. Review status: criteria provided, single submitter. Criteria: Invitae Variant Classification Sherloc (09022015). Collection method: clinical testing. Allele origin: germline.
Comment: This sequence change replaces valine, which is neutral and non-polar, with isoleucine, which is neutral and non-polar, at codon 1017 of the DNAH8 protein (p.Val1017Ile). This variant is present in population databases (rs112491228, gnomAD 0.02%). This variant has not been reported in the literature in individuals affected with DNAH8-related conditions. Algorithms developed to predict the effect of missense changes on protein structure and function are either unavailable or do not agree on the potential impact of this missense change (SIFT: "Tolerated"; PolyPhen-2: "Not Available"; Align-GVGD: "Class C0"). In summary, the available evidence is currently insufficient to determine the role of this variant in disease. Therefore, it has been classified as a Variant of Uncertain Significance.

NM_001206927.2(DNAH8):c.3049G>A (p.Val1017Ile)

Gene: DNAH8 (dynein axonemal heavy chain 8; plus strand). Cytogenetic location: 6p21.2.
Variant type: single nucleotide variant.
Coding change: c.3049G>A on transcript NM_001206927.2 (MANE Select); coding-DNA position 3049, G replaced by A.
Protein change: p.Val1017Ile; replaces valine 1017 with isoleucine.
Molecular consequence: missense variant.
Genome position (GRCh38, 1-based): chr6:38,805,495, G>A. VCF-style: chr6-38805495-G-A. GRCh37 (hg19) VCF-style: chr6-38773271-G-A.
Other names: c.2398G>A, p.Val800Ile (NM_001371.4); short protein forms V800I, V1017I.
Identifiers: ClinVar variation 2048386 (VCV002048386.1), dbSNP rs112491228, ClinGen allele CA3788718.
Genomic context (GRCh38, chr6:38,805,495, plus strand): 5'-GCTAAAAAGTCAAATGTTATATTTTTGTTTTGTCTTTTGTCTATAGAACAGCGGAAACAC[G>A]TTGTTTTTGGAAGTGAAACAGGAGAGGGTGAAAACAATGACTATGAAGCTAATATTGTGA-3'
Protein context (NP_001193856.1, residues 1007-1027): VGKQSEQRKH[Val1017Ile]VFGSETGEGE